The following is an entry in ClinVar:

ClinVar aggregate classification (germline): Likely benign. Review status: criteria provided, multiple submitters, no conflicts (2 of 4 stars). 2 submissions from 2 submitters: Likely benign (2). Last evaluated 2023-07-20.

Conditions:
Leigh syndrome (NULS). Also called: Leigh's necrotizing encephalopathy; Leigh's disease; Leigh Syndrome (mtDNA deletion); Leigh Disease; Subacute necrotizing encephalopathy; Necrotizing encephalopathy infantile subacute of Leigh. Identifiers: Orphanet 506, MedGen C2931891, MONDO:0009723, OMIM 256000.

Submissions (2):

Clinical Genetics Laboratory, Skane University Hospital Lund
Classification: Likely benign. Last evaluated: 2023-07-20. Review status: criteria provided, single submitter. Criteria: ACMG Guidelines, 2015. Collection method: clinical testing. Allele origin: germline. Affected: yes.

Wong Mito Lab, Molecular and Human Genetics, Baylor College of Medicine
Classification: Likely benign for Leigh syndrome. Last evaluated: 2019-10-17. Review status: criteria provided, single submitter. Criteria: Modified ACMG Guidelines (Unpublished). Collection method: clinical testing. Allele origin: germline.
Comment: The NC_012920.1:m.12014C>T (YP_003024035.1:p.Leu419Phe) variant in MTND4 gene is interpretated to be a Likely Benign variant based on the modified ACMG guidelines (unpublished). This variant meets the following evidence codes: BP4, BP6

NC_012920.1(MT-ND4):m.12014C>T

Gene: MT-ND4 (mitochondrially encoded NADH dehydrogenase 4; plus strand).
Variant type: single nucleotide variant.
Genome position: chrM-12014-C-T.
Identifiers: ClinVar variation 693398 (VCV000693398.2), dbSNP rs1603223511, ClinGen allele CA414812096.